The following is an entry in ClinVar:

NM_170707.4(LMNA):c.1984A>G (p.Ser662Gly)

Gene: LMNA (lamin A/C; plus strand). Cytogenetic location: 1q22.
Variant type: single nucleotide variant.
Coding change: c.1984A>G on transcript NM_170707.4 (MANE Select); coding-DNA position 1984, A replaced by G.
Protein change: p.Ser662Gly; replaces serine 662 with glycine.
Molecular consequence: missense variant.
Genome position (GRCh38, 1-based): chr1:156,139,095, A>G. VCF-style: chr1-156139095-A-G. GRCh37 (hg19) VCF-style: chr1-156108886-A-G.
Other names: c.1648A>G, p.Ser550Gly (NM_001406989.1, NM_001257374.3); c.1426A>G, p.Ser476Gly (NM_001406990.1, NM_001406993.1, NM_001406995.1 and 2 more transcripts); c.1984A>G, p.Ser662Gly (NM_001406991.1, NM_001406983.1, NM_001406985.1); c.1360A>G, p.Ser454Gly (NM_001406994.1, NM_001406999.1, NM_001407000.1 and 1 more transcripts); c.1834A>G, p.Ser612Gly (NM_001282626.2); c.1741A>G, p.Ser581Gly (NM_001406986.1, NM_001406987.1); c.1687A>G, p.Ser563Gly (NM_001406988.1); c.1894A>G, p.Ser632Gly (NM_170708.4); short protein forms S454G, S476G, S563G, S662G, S550G, S581G, S612G, S632G.
Identifiers: ClinVar variation 3692089 (VCV003692089.2).
Genomic context (GRCh38, chr1:156,139,095, plus strand): 5'-CCAGGCCCTGCTGCTCACACCTCTCTCCTCTGTTTTCTCTCTTAGAGCCCCCAGAACTGC[A>G]GCATCATGTAATCTGGGACCTGCCAGGCAGGGGTGGGGGTGGAGGCTTCCTGCGTCCTCC-3'
Protein context (NP_733821.1, residues 652-664): SPRTQSPQNC[Ser662Gly]IM

ClinVar aggregate classification (germline): Uncertain significance (1 of 4 stars; one submission).

Conditions:
Charcot-Marie-Tooth disease type 2. Also called: Charcot-Marie-Tooth type 2. Identifiers: Orphanet 64746, MedGen C0270914, MONDO:0018993.

gnomAD v4.1: 1 of 1,613,820 alleles (0.000062%); highest among the groups gnomAD compares: Non-Finnish European, 0.000085%; no homozygotes.

Submission:

Labcorp Genetics (formerly Invitae), Labcorp
Classification: Uncertain significance for Charcot-Marie-Tooth disease type 2. Last evaluated: 2024-11-27. Review status: criteria provided, single submitter. Criteria: Invitae Variant Classification Sherloc (09022015). Collection method: clinical testing. Allele origin: germline.
Comment: This sequence change replaces serine, which is neutral and polar, with glycine, which is neutral and non-polar, at codon 662 of the LMNA protein (p.Ser662Gly). This variant is not present in population databases (gnomAD no frequency). This variant has not been reported in the literature in individuals affected with LMNA-related conditions. Invitae Evidence Modeling of protein sequence and biophysical properties (such as structural, functional, and spatial information, amino acid conservation, physicochemical variation, residue mobility, and thermodynamic stability) indicates that this missense variant is not expected to disrupt LMNA protein function with a negative predictive value of 95%. In summary, the available evidence is currently insufficient to determine the role of this variant in disease. Therefore, it has been classified as a Variant of Uncertain Significance.